The following is an entry in ClinVar:

NM_001267550.2(TTN):c.671A>G (p.Lys224Arg)

Gene: TTN (titin; minus strand). Cytogenetic location: 2q31.2.
Variant type: single nucleotide variant.
Coding change: c.671A>G on transcript NM_001267550.2 (MANE Select); coding-DNA position 671, A replaced by G.
Protein change: p.Lys224Arg; replaces lysine 224 with arginine.
Molecular consequence: missense variant.
Genome position (GRCh38, 1-based): chr2:178,799,730, T>C on the plus strand (A>G on the coding strand, the complement: TTN is on the minus strand). VCF-style: chr2-178799730-T-C. GRCh37 (hg19) VCF-style: chr2-179664457-T-C.
Other names: c.671A>G, p.Lys224Arg (NM_001256850.1, NM_003319.4, NM_133378.4 and 3 more transcripts); short protein forms K224R.
Identifiers: ClinVar variation 4074558 (VCV004074558.1).

ClinVar aggregate classification (germline): Uncertain significance (1 of 4 stars; one submission).

gnomAD v4.1: 8 of 1,614,158 alleles (0.0005%); highest among the groups gnomAD compares: Middle Eastern, 0.13%; no homozygotes.

Submission:

GeneDx
Classification: Uncertain significance. Last evaluated: 2025-02-03. Review status: criteria provided, single submitter. Criteria: GeneDx Variant Classification Process June 2021. Collection method: clinical testing. Allele origin: germline. Affected: yes.
Comment: Not observed at significant frequency in large population cohorts (gnomAD); Has not been previously published as pathogenic or benign to our knowledge; In silico analysis is inconclusive as to whether the variant alters gene splicing. In the absence of RNA/functional studies, the actual effect of this sequence change is unknown.